The following is an entry in ClinVar:

ClinVar aggregate classification (germline): Uncertain significance. Review status: criteria provided, multiple submitters, no conflicts (2 of 4 stars). 3 submissions from 3 submitters: Uncertain significance (3). Last evaluated 2024-08-18.

Conditions:
Retinoblastoma (RB1). Also called: RETINOBLASTOMA, SOMATIC. Identifiers: Orphanet 790, MedGen C0035335, MeSH D012175, MONDO:0008380, OMIM 180200, HP:0009919. Disease mechanism: loss of function. Inheritance: Both sporadic and heritable forms are tested..
Hereditary cancer-predisposing syndrome. Also called: Hereditary Cancer Syndrome; Hereditary neoplastic syndrome; Neoplastic Syndromes, Hereditary; Tumor predisposition. Identifiers: Orphanet 140162, MedGen C0027672, MeSH D009386, MONDO:0015356.

Submissions (3):

Ambry Genetics
Classification: Uncertain significance for Hereditary cancer-predisposing syndrome. Last evaluated: 2024-08-18. Review status: criteria provided, single submitter. Criteria: Ambry Variant Classification Scheme 2023. Collection method: clinical testing. Allele origin: germline.
Comment: The p.T356P variant (also known as c.1066A>C), located in coding exon 11 of the RB1 gene, results from an A to C substitution at nucleotide position 1066. The threonine at codon 356 is replaced by proline, an amino acid with highly similar properties. This amino acid position is highly conserved in available vertebrate species. In addition, this alteration is predicted to be deleterious by in silico analysis. Since supporting evidence is limited at this time, the clinical significance of this alteration remains unclear.

Labcorp Genetics (formerly Invitae), Labcorp
Classification: Uncertain significance for Retinoblastoma. Last evaluated: 2024-04-12. Review status: criteria provided, single submitter. Criteria: Invitae Variant Classification Sherloc (09022015). Collection method: clinical testing. Allele origin: germline.
Comment: This sequence change replaces threonine, which is neutral and polar, with proline, which is neutral and non-polar, at codon 356 of the RB1 protein (p.Thr356Pro). This variant is not present in population databases (gnomAD no frequency). This variant has not been reported in the literature in individuals affected with RB1-related conditions. ClinVar contains an entry for this variant (Variation ID: 1448909). Advanced modeling of protein sequence and biophysical properties (such as structural, functional, and spatial information, amino acid conservation, physicochemical variation, residue mobility, and thermodynamic stability) performed at Invitae indicates that this missense variant is expected to disrupt RB1 protein function with a positive predictive value of 80%. In summary, the available evidence is currently insufficient to determine the role of this variant in disease. Therefore, it has been classified as a Variant of Uncertain Significance.

All of Us Research Program, National Institutes of Health
Classification: Uncertain significance for Retinoblastoma. Last evaluated: 2023-11-20. Review status: criteria provided, single submitter. Criteria: ACMG Guidelines, 2015. Collection method: clinical testing. Allele origin: germline. Inheritance: Autosomal dominant inheritance. Observed: 1 variant allele, 1 heterozygote.
Comment: This missense variant replaces threonine with proline at codon 356 of the RB1 protein. Computational prediction is inconclusive regarding the impact of this variant on protein structure and function (internally defined REVEL score threshold 0.5 < inconclusive < 0.7, PMID: 27666373). To our knowledge, functional studies have not been reported for this variant. This variant has not been reported in individuals affected with RB1-related disorders in the literature. This variant has not been identified in the general population by the Genome Aggregation Database (gnomAD). The available evidence is insufficient to determine the role of this variant in disease conclusively. Therefore, this variant is classified as a Variant of Uncertain Significance.

This study involves interpretation of variants in research participants for the purpose of population health screening. Participant phenotype was not available at the time of variant classification. Additional details can be found in publication PMID: 35346344, PMCID: PMC8962531

NM_000321.3(RB1):c.1066A>C (p.Thr356Pro)

Gene: RB1 (RB transcriptional corepressor 1; plus strand). Cytogenetic location: 13q14.2.
Variant type: single nucleotide variant.
Coding change: c.1066A>C on transcript NM_000321.3 (MANE Select); coding-DNA position 1066, A replaced by C.
Protein change: p.Thr356Pro; replaces threonine 356 with proline.
Molecular consequence: missense variant.
Genome position (GRCh38, 1-based): chr13:48,368,543, A>C. VCF-style: chr13-48368543-A-C. GRCh37 (hg19) VCF-style: chr13-48942679-A-C.
Other names: short protein forms T356P.
Identifiers: ClinVar variation 1448909 (VCV001448909.12), dbSNP rs2138123180, ClinGen allele CA388161131.